The following is an entry in ClinVar:

ClinVar aggregate classification (germline): Uncertain significance (1 of 4 stars; one submission).

Submission:

GeneDx
Classification: Uncertain significance. Last evaluated: 2024-06-14. Review status: criteria provided, single submitter. Criteria: GeneDx Variant Classification Process June 2021. Collection method: clinical testing. Allele origin: germline. Affected: yes.
Comment: Not observed at significant frequency in large population cohorts (gnomAD); In silico analysis supports that this missense variant has a deleterious effect on protein structure/function; Has not been previously published as pathogenic or benign to our knowledge

NM_002074.5(GNB1):c.365C>T (p.Ser122Phe)

Gene: GNB1 (G protein subunit beta 1; minus strand). Cytogenetic location: 1p36.33.
Variant type: single nucleotide variant.
Coding change: c.365C>T on transcript NM_002074.5 (MANE Select); coding-DNA position 365, C replaced by T.
Protein change: p.Ser122Phe; replaces serine 122 with phenylalanine.
Molecular consequence: missense variant.
Genome position (GRCh38, 1-based): chr1:1,804,484, G>A on the plus strand (C>T on the coding strand, the complement: GNB1 is on the minus strand). VCF-style: chr1-1804484-G-A. GRCh37 (hg19) VCF-style: chr1-1735923-G-A.
Other names: c.65C>T, p.Ser22Phe (NM_001282538.2); c.365C>T, p.Ser122Phe (NM_001282539.2); short protein forms S122F, S22F.
Identifiers: ClinVar variation 3391601 (VCV003391601.1).